The following is an entry in ClinVar:

ClinVar aggregate classification (germline): Benign. Review status: criteria provided, multiple submitters, no conflicts (2 of 4 stars). 3 submissions from 3 submitters: Benign (2). 1 of the submissions does not count toward it. Last evaluated 2018-10-24.

Conditions:
PTPRS-related disorder. Also called: PTPRS-related condition.

Allele frequency attached by ClinVar (database versions not stated): gnomAD 0.02994 and 0.02815; 1000 Genomes Project 0.03255; ExAC 0.00880; TOPMed 0.03053; ESP Exome Variant Server 0.03183; 1000 Genomes Project 30x 0.03435.
gnomAD v4.1: 8,740 of 1,614,092 alleles (0.54%); highest among the groups gnomAD compares: African/African-American, 10%; 417 homozygotes.

Submissions (3):

Labcorp Genetics (formerly Invitae), Labcorp
Classification: Benign. Last evaluated: 2018-10-24. Review status: criteria provided, single submitter. Criteria: Invitae Variant Classification Sherloc (09022015). Collection method: clinical testing. Allele origin: germline.

Breakthrough Genomics
Classification: Benign. Review status: criteria provided, single submitter. Criteria: ACMG Guidelines, 2015. Collection method: not provided. Allele origin: germline. Inheritance: Unknown mechanism. Affected: yes.

PreventionGenetics, part of Exact Sciences
Classification: Benign for PTPRS-related condition. Last evaluated: 2019-07-16. Review status: no assertion criteria provided. Collection method: clinical testing. Allele origin: germline. Not counted in ClinVar's aggregate classification.
Comment: This variant is classified as benign based on ACMG/AMP sequence variant interpretation guidelines (Richards et al. 2015 PMID: 25741868, with internal and published modifications).

NM_002850.4(PTPRS):c.285G>A (p.Pro95=)

Gene: PTPRS (protein tyrosine phosphatase receptor type S; minus strand). Cytogenetic location: 19p13.3.
Variant type: single nucleotide variant.
Coding change: c.285G>A on transcript NM_002850.4 (MANE Select); coding-DNA position 285, G replaced by A.
Protein change: p.Pro95=; no amino-acid change (proline 95 retained).
Molecular consequence: synonymous variant.
Genome position (GRCh38, 1-based): chr19:5,273,536, C>T on the plus strand (G>A on the coding strand, the complement: PTPRS is on the minus strand). VCF-style: chr19-5273536-C-T. GRCh37 (hg19) VCF-style: chr19-5273547-C-T.
Other names: c.285G>A, p.Pro95= (NM_130853.3, NM_130854.3, NM_130855.3).
Identifiers: ClinVar variation 781422 (VCV000781422.6), dbSNP rs61757815, ClinGen allele CA9110793.